The following is an entry in ClinVar:

NM_000292.3(PHKA2):c.1519A>G (p.Thr507Ala)

Gene: PHKA2 (phosphorylase kinase regulatory subunit alpha 2; minus strand). Cytogenetic location: Xp22.13.
Variant type: single nucleotide variant.
Coding change: c.1519A>G on transcript NM_000292.3 (MANE Select); coding-DNA position 1519, A replaced by G.
Protein change: p.Thr507Ala; replaces threonine 507 with alanine.
Molecular consequence: missense variant.
Genome position (GRCh38, 1-based): chrX:18,925,718, T>C on the plus strand (A>G on the coding strand, the complement: PHKA2 is on the minus strand). VCF-style: chrX-18925718-T-C. GRCh37 (hg19) VCF-style: chrX-18943836-T-C.
Other names: short protein forms T507A.
Identifiers: ClinVar variation 2755219 (VCV002755219.3), dbSNP rs763456029, ClinGen allele CA10361866.

ClinVar aggregate classification (germline): Uncertain significance (1 of 4 stars; one submission).

Conditions:
Glycogen storage disease IXa1. Also called: Glycogen storage disease 8; LIVER GLYCOGENOSIS, X-LINKED, TYPE I; GLYCOGEN STORAGE DISEASE VIII; GSD VIII. Identifiers: Orphanet 264580, MedGen C3694531, MONDO:0010598, OMIM 306000.

Allele frequency attached by ClinVar (database versions not stated): gnomAD exomes below 0.00001; ExAC 0.00001.
gnomAD v4.1: 2 of 1,201,139 alleles (0.00017%); highest among the groups gnomAD compares: Non-Finnish European, 0.00023%; no homozygotes.

Submission:

Labcorp Genetics (formerly Invitae), Labcorp
Classification: Uncertain significance for Glycogen storage disease IXa1. Last evaluated: 2023-10-13. Review status: criteria provided, single submitter. Criteria: Invitae Variant Classification Sherloc (09022015). Collection method: clinical testing. Allele origin: germline.
Comment: This sequence change replaces threonine, which is neutral and polar, with alanine, which is neutral and non-polar, at codon 507 of the PHKA2 protein (p.Thr507Ala). This variant is present in population databases (rs763456029, gnomAD 0.002%). This variant has not been reported in the literature in individuals affected with PHKA2-related conditions. Advanced modeling of protein sequence and biophysical properties (such as structural, functional, and spatial information, amino acid conservation, physicochemical variation, residue mobility, and thermodynamic stability) performed at Invitae indicates that this missense variant is expected to disrupt PHKA2 protein function. In summary, the available evidence is currently insufficient to determine the role of this variant in disease. Therefore, it has been classified as a Variant of Uncertain Significance.